The following is an entry in ClinVar:

ClinVar aggregate classification (germline): Likely benign. Review status: criteria provided, multiple submitters, no conflicts (2 of 4 stars). 2 submissions from 2 submitters: Likely benign (2). Last evaluated 2025-12-01.

gnomAD v4.1: 18 of 1,613,680 alleles (0.0011%); highest among the groups gnomAD compares: East Asian, 0.0022%; no homozygotes.

Submissions (2):

CeGaT Center for Human Genetics Tuebingen
Classification: Likely benign. Last evaluated: 2025-12-01. Review status: criteria provided, single submitter. Criteria: CeGaT Center For Human Genetics Tuebingen Variant Classification Criteria Version 2. Collection method: clinical testing. Allele origin: germline. Affected: yes. Observed: 1 variant allele.
Comment: PTPN23: BP4, BP7

Labcorp Genetics (formerly Invitae), Labcorp
Classification: Likely benign. Last evaluated: 2024-12-23. Review status: criteria provided, single submitter. Criteria: Invitae Variant Classification Sherloc (09022015). Collection method: clinical testing. Allele origin: germline.

NM_015466.4(PTPN23):c.1596G>A (p.Pro532=)

Gene: PTPN23 (protein tyrosine phosphatase non-receptor type 23; plus strand). Cytogenetic location: 3p21.31.
Variant type: single nucleotide variant.
Coding change: c.1596G>A on transcript NM_015466.4 (MANE Select); coding-DNA position 1596, G replaced by A.
Protein change: p.Pro532=; no amino-acid change (proline 532 retained).
Molecular consequence: synonymous variant.
Genome position (GRCh38, 1-based): chr3:47,409,041, G>A. VCF-style: chr3-47409041-G-A. GRCh37 (hg19) VCF-style: chr3-47450531-G-A.
Other names: c.1218G>A, p.Pro406= (NM_001304482.2).
Identifiers: ClinVar variation 3714684 (VCV003714684.7).